The following is an entry in ClinVar:

NM_001130009.3(GEN1):c.2489C>G (p.Ser830Cys)

Gene: GEN1 (GEN1 structure-specific endonuclease; plus strand). Cytogenetic location: 2p24.2.
Variant type: single nucleotide variant.
Coding change: c.2489C>G on transcript NM_001130009.3 (MANE Select); coding-DNA position 2489, C replaced by G.
Protein change: p.Ser830Cys; replaces serine 830 with cysteine.
Molecular consequence: missense variant.
Genome position (GRCh38, 1-based): chr2:17,781,701, C>G. VCF-style: chr2-17781701-C-G. GRCh37 (hg19) VCF-style: chr2-17962968-C-G.
Other names: c.2489C>G, p.Ser830Cys (NM_182625.5); short protein forms S830C.
Identifiers: ClinVar variation 3853496 (VCV003853496.2).

ClinVar aggregate classification (germline): Uncertain significance. Review status: criteria provided, multiple submitters, no conflicts (2 of 4 stars). 2 submissions from 2 submitters: Uncertain significance (2). Last evaluated 2026-01-15.

gnomAD v4.1: 3 of 1,613,568 alleles (0.00019%); highest among the groups gnomAD compares: East Asian, 0.0067%; no homozygotes.

Submissions (2):

Labcorp Genetics (formerly Invitae), Labcorp
Classification: Uncertain significance. Last evaluated: 2026-01-15. Review status: criteria provided, single submitter. Criteria: Invitae Variant Classification Sherloc (09022015). Collection method: clinical testing. Allele origin: germline.
Comment: This sequence change replaces serine, which is neutral and polar, with cysteine, which is neutral and slightly polar, at codon 830 of the GEN1 protein (p.Ser830Cys). This variant is present in population databases (rs776466052, gnomAD 0.01%). This variant has not been reported in the literature in individuals affected with GEN1-related conditions. ClinVar contains an entry for this variant (Variation ID: 3853496). An algorithm developed to predict the effect of missense changes on protein structure and function (PolyPhen-2) suggests that this variant is likely to be tolerated. In summary, the available evidence is currently insufficient to determine the role of this variant in disease. Therefore, it has been classified as a Variant of Uncertain Significance.

Ambry Genetics
Classification: Uncertain significance. Last evaluated: 2025-01-09. Review status: criteria provided, single submitter. Criteria: Ambry Variant Classification Scheme 2023. Collection method: clinical testing. Allele origin: germline.
Comment: The p.S830C variant (also known as c.2489C>G), located in coding exon 13 of the GEN1 gene, results from a C to G substitution at nucleotide position 2489. The serine at codon 830 is replaced by cysteine, an amino acid with dissimilar properties. This amino acid position is conserved. In addition, this alteration is predicted to be tolerated by in silico analysis. Based on the available evidence, the clinical significance of this variant remains unclear.